The following is an entry in ClinVar:

NM_012472.6(DNAAF11):c.598_599del (p.Lys200fs)

Gene: DNAAF11 (dynein axonemal assembly factor 11; minus strand). Cytogenetic location: 8q24.22.
Variant type: Deletion.
Coding change: c.598_599del on transcript NM_012472.6 (MANE Select); coding-DNA positions 598 to 599, 2 bases deleted (AA; older notation c.598_599delAA).
Protein change: p.Lys200fs; shifts the reading frame from lysine 200.
Molecular consequence: frameshift variant. On other transcripts: non-coding transcript variant (1).
Genome position (GRCh38, 1-based): chr8:132,632,794-132,632,795, TT deleted on the plus strand (AA on the coding strand, the reverse complement: DNAAF11 is on the minus strand). VCF-style (leftmost placement, unchanged base first): chr8-132632793-CTT-C. GRCh37 (hg19) VCF-style: chr8-133645039-CTT-C.
Other names: c.598_599del (NM_012472.4); c.598_599del, p.Lys200fs (NM_001321961.2); c.352_353del, p.Lys118fs (NM_001321962.2); c.238_239del, p.Lys80fs (NM_001321963.2, NM_001321964.2, NM_001321965.2 and 1 more transcripts); short protein forms K80fs, K118fs, K200fs.
Identifiers: ClinVar variation 39794 (VCV000039794.12), dbSNP rs397515424, ClinGen allele CA343814.

ClinVar aggregate classification (germline): Pathogenic. Review status: criteria provided, multiple submitters, no conflicts (2 of 4 stars). 6 submissions from 6 submitters: Pathogenic (4). 2 of the submissions do not count toward it. Last evaluated 2025-02-08.

Conditions:
LRRC6-related disorders.
Primary ciliary dyskinesia 19. Also called: CILIARY DYSKINESIA, PRIMARY, 19, WITH OR WITHOUT SITUS INVERSUS. Identifiers: Orphanet 244, MedGen C3543826, MONDO:0013979, OMIM 614935.

Allele frequency attached by ClinVar (database versions not stated): gnomAD exomes 0.00002 and 0.00001; ExAC 0.00002; gnomAD 0.00001; TOPMed 0.00001.

Submissions (6):

Labcorp Genetics (formerly Invitae), Labcorp
Classification: Pathogenic for Primary ciliary dyskinesia 19. Last evaluated: 2025-02-08. Review status: criteria provided, single submitter. Criteria: Invitae Variant Classification Sherloc (09022015). Collection method: clinical testing. Allele origin: germline.
Comment: This sequence change creates a premature translational stop signal (p.Lys200Glufs*3) in the LRRC6 gene. It is expected to result in an absent or disrupted protein product. Loss-of-function variants in LRRC6 are known to be pathogenic (PMID: 23122589). This variant is present in population databases (rs397515424, gnomAD 0.01%). This premature translational stop signal has been observed in individuals with primary ciliary dyskinesia (PMID: 23122589, 23891469, 27637300). ClinVar contains an entry for this variant (Variation ID: 39794). For these reasons, this variant has been classified as Pathogenic.

Blueprint Genetics
Classification: Pathogenic for LRRC6-related disorders. Last evaluated: 2022-06-23. Review status: criteria provided, single submitter. Criteria: ACMG Guidelines, 2015. Collection method: clinical testing. Allele origin: germline. Affected: yes. Observed: 1 variant allele.

Fulgent Genetics
Classification: Pathogenic for Primary ciliary dyskinesia 19. Last evaluated: 2022-04-20. Review status: criteria provided, single submitter. Criteria: ACMG Guidelines, 2015. Collection method: clinical testing. Allele origin: unknown.

Juno Genomics, Hangzhou Juno Genomics, Inc
Classification: Pathogenic for Primary ciliary dyskinesia 19. Review status: criteria provided, single submitter. Criteria: ACMG Guidelines, 2015. Collection method: clinical testing. Allele origin: germline.
Comment: Absent from controls (or at extremely low frequency if recessive) in Genome Aggregation Database.;Null variant in a gene where loss of function (LOF) is a known mechanism of disease.;For recessive disorders, detected in trans with a pathogenic variant.

OMIM
Classification: Pathogenic for CILIARY DYSKINESIA, PRIMARY, 19. Last evaluated: 2012-11-02. Review status: no assertion criteria provided. Collection method: literature only. Allele origin: germline. Not counted in ClinVar's aggregate classification.

GeneReviews
No classification provided. Condition: Primary ciliary dyskinesia 19. Review status: no classification provided. Collection method: literature only. Allele origin: unknown. Not counted in ClinVar's aggregate classification.

Literature cited by the submitters: PubMed 23122589 (cited by 3 submitters); PubMed 23891469 (cited by Labcorp Genetics (formerly Invitae), Labcorp); PubMed 27637300 (cited by Labcorp Genetics (formerly Invitae), Labcorp); PubMed 20301301 (cited by GeneReviews); NCBI Bookshelf NBK1122 (cited by GeneReviews).